The following is an entry in ClinVar:

ClinVar aggregate classification (germline): Uncertain significance (1 of 4 stars; one submission).

Allele frequency attached by ClinVar (database versions not stated): ExAC 0.00001; gnomAD exomes 0.00001; TOPMed 0.00003; gnomAD 0.00005; ESP Exome Variant Server 0.00008; 1000 Genomes Project 30x 0.00016; 1000 Genomes Project 0.00020.
gnomAD v4.1: 29 of 1,613,698 alleles (0.0018%); highest among the groups gnomAD compares: African/African-American, 0.012%; no homozygotes.

Submission:

Labcorp Genetics (formerly Invitae), Labcorp
Classification: Uncertain significance. Last evaluated: 2025-06-12. Review status: criteria provided, single submitter. Criteria: Invitae Variant Classification Sherloc (09022015). Collection method: clinical testing. Allele origin: germline.
Comment: This sequence change replaces serine, which is neutral and polar, with leucine, which is neutral and non-polar, at codon 3342 of the FRAS1 protein (p.Ser3342Leu). The frequency data for this variant in the population databases is considered unreliable, as metrics indicate poor data quality at this position in the gnomAD database. This variant has not been reported in the literature in individuals affected with FRAS1-related conditions. ClinVar contains an entry for this variant (Variation ID: 2413893). Invitae Evidence Modeling of protein sequence and biophysical properties (such as structural, functional, and spatial information, amino acid conservation, physicochemical variation, residue mobility, and thermodynamic stability) has been performed for this missense variant. However, the output from this modeling did not meet the statistical confidence thresholds required to predict the impact of this variant on FRAS1 protein function. In summary, the available evidence is currently insufficient to determine the role of this variant in disease. Therefore, it has been classified as a Variant of Uncertain Significance.

NM_025074.7(FRAS1):c.10025C>T (p.Ser3342Leu)

Gene: FRAS1 (Fraser extracellular matrix complex subunit 1; plus strand). Cytogenetic location: 4q21.21.
Variant type: single nucleotide variant.
Coding change: c.10025C>T on transcript NM_025074.7 (MANE Select); coding-DNA position 10025, C replaced by T.
Protein change: p.Ser3342Leu; replaces serine 3342 with leucine.
Molecular consequence: missense variant.
Genome position (GRCh38, 1-based): chr4:78,513,403, C>T. VCF-style: chr4-78513403-C-T. GRCh37 (hg19) VCF-style: chr4-79434557-C-T.
Other names: short protein forms S3342L.
Identifiers: ClinVar variation 2413893 (VCV002413893.4), dbSNP rs375437443, ClinGen allele CA2978847.